The following is an entry in ClinVar:

ClinVar aggregate classification (germline): Uncertain significance (1 of 4 stars; one submission).

Conditions:
Autism spectrum disorder. Also called: Autism spectrum disorders. Identifiers: MedGen C1510586, MeSH D000067877, MONDO:0005258.

gnomAD v4.1: 1 of 1,613,712 alleles (0.000062%); highest among the groups gnomAD compares: Non-Finnish European, 0.000085%; no homozygotes.

Submission:

Oasi Research Institute-IRCCS
Classification: Uncertain significance for Autism spectrum disorder. Last evaluated: 2025-05-12. Review status: criteria provided, single submitter. Criteria: ACMG Guidelines, 2015. Collection method: clinical testing. Allele origin: de novo. Affected: yes. Observed: 1 heterozygote.
Comment: We have identified the de novo variant c.3409G>A p.Gly1137Arg in the NCOR1 gene, resulting in the substitution of glycine with arginine at the amino acid position 1137. The variant was classified as Uncertain Significance (VUS), according to the ACMG criteria BP4, PM2, PP2 and PS2. This variant is cataloged with the dbSNP identifier rs2063154642. The NCOR1 gene encodes the nuclear receptor co-repressor 1 protein, which plays a critical role in gene regulation by mediating transcriptional repression. NCOR1 functions through the recruitment of histone deacetylases and the formation of large co-repressor complexes, thereby influencing chromatin structure and gene expression. It is involved in a wide range of biological processes, including development, metabolism, and circadian rhythm.

NM_006311.4(NCOR1):c.3409G>A (p.Gly1137Arg)

Gene: NCOR1 (nuclear receptor corepressor 1; minus strand). Cytogenetic location: 17p12.
Variant type: single nucleotide variant.
Coding change: c.3409G>A on transcript NM_006311.4 (MANE Select); coding-DNA position 3409, G replaced by A.
Protein change: p.Gly1137Arg; replaces glycine 1137 with arginine.
Molecular consequence: missense variant.
Genome position (GRCh38, 1-based): chr17:16,080,056, C>T on the plus strand (G>A on the coding strand, the complement: NCOR1 is on the minus strand). VCF-style: chr17-16080056-C-T. GRCh37 (hg19) VCF-style: chr17-15983370-C-T.
Other names: c.3457G>A, p.Gly1153Arg (NM_001190440.2); short protein forms G1137R, G1153R.
Identifiers: ClinVar variation 3899880 (VCV003899880.1).